The following is an entry in ClinVar:

NM_017534.6(MYH2):c.5473-2A>C

Genes: MYHAS (myosin heavy chain gene cluster antisense RNA; plus strand), MYH2 (myosin heavy chain 2; minus strand). Cytogenetic location: 17p13.1.
Variant type: single nucleotide variant.
Coding change: c.5473-2A>C on transcript NM_017534.6 (MANE Select); the canonical splice acceptor site of the intron before coding-DNA position 5473, A replaced by C.
Molecular consequence: splice acceptor variant.
Genome position (GRCh38, 1-based): chr17:10,523,414, T>G on the plus strand (A>C on the coding strand, the complement: MYH2 is on the minus strand). VCF-style: chr17-10523414-T-G. GRCh37 (hg19) VCF-style: chr17-10426731-T-G.
Other names: c.5473-2A>C (NM_001100112.2).
Identifiers: ClinVar variation 1490474 (VCV001490474.8), dbSNP rs2142290339, ClinGen allele CA398115494.

ClinVar aggregate classification (germline): Likely pathogenic (1 of 4 stars; one submission).

Conditions:
Myopathy, proximal, and ophthalmoplegia (CMYO6). Also called: CONGENITAL MYOPATHY 6 WITH OPHTHALMOPLEGIA; MYOPATHY WITH CONGENITAL JOINT CONTRACTURES, OPHTHALMOPLEGIA, AND RIMMED VACUOLES; INCLUSION BODY MYOPATHY 3, AUTOSOMAL DOMINANT. Identifiers: Orphanet 363677, Orphanet 79091, MedGen C1854106, MONDO:0011577, OMIM 605637.

Submission:

Labcorp Genetics (formerly Invitae), Labcorp
Classification: Likely pathogenic for Myopathy, proximal, and ophthalmoplegia. Last evaluated: 2021-02-14. Review status: criteria provided, single submitter. Criteria: Invitae Variant Classification Sherloc (09022015). Collection method: clinical testing. Allele origin: germline.
Comment: This variant has not been reported in the literature in individuals with MYH2-related conditions. In summary, the currently available evidence indicates that the variant is pathogenic, but additional data are needed to prove that conclusively. Therefore, this variant has been classified as Likely Pathogenic. Algorithms developed to predict the effect of sequence changes on RNA splicing suggest that this variant may disrupt the consensus splice site, but this prediction has not been confirmed by published transcriptional studies. This variant is not present in population databases (ExAC no frequency). This sequence change affects an acceptor splice site in intron 37 of the MYH2 gene. It is expected to disrupt RNA splicing. Variants that disrupt the donor or acceptor splice site typically lead to a loss of protein function (PMID: 16199547), and loss-of-function variants in MYH2 are known to be pathogenic (PMID: 20418530, 23388406, 24193343).

Literature cited by the submitters: PubMed 16199547; PubMed 20418530; PubMed 23388406; PubMed 24193343.